The following is an entry in ClinVar:

ClinVar aggregate classification (germline): Uncertain significance (1 of 4 stars; one submission).

Conditions:
DIABLO-related disorder. Also called: DIABLO-related condition.

Submission:

PreventionGenetics, part of Exact Sciences
Classification: Uncertain significance for DIABLO-related condition. Last evaluated: 2026-02-16. Review status: criteria provided, single submitter. Criteria: ACMG Guidelines, 2015. Collection method: clinical testing. Allele origin: germline.
Comment: The DIABLO c.17_19delACT variant is predicted to result in an in-frame deletion (p.Tyr6del). To our knowledge, this variant has not been reported in the literature or in a large population database (gnomAD), indicating this variant is rare. At this time, the clinical significance of this variant is uncertain due to the absence of conclusive functional and genetic evidence.

NM_001371333.1(DIABLO):c.51-8_51-6del

Gene: DIABLO (diablo IAP-binding mitochondrial protein; minus strand). Cytogenetic location: 12q24.31.
Variant type: Deletion.
Coding change: c.51-8_51-6del on transcript NM_001371333.1 (MANE Select); 8 bases into the intron before coding-DNA position 51 through 6 bases into the intron before coding-DNA position 51, 3 bases deleted (ACT; older notation c.51-8_51-6delACT).
Molecular consequence: intron variant. On other transcripts: inframe deletion (4).
Genome position (GRCh38, 1-based): chr12:122,224,650-122,224,652, AGT deleted on the plus strand (ACT on the coding strand, the reverse complement: DIABLO is on the minus strand); deleting any 3 consecutive bases within chr12:122,224,650-122,224,654 gives the same sequence; the c. name uses the placement nearest the transcript's 3' end. VCF-style (leftmost placement, unchanged base first): chr12-122224649-AAGT-A. GRCh37 (hg19) VCF-style: chr12-122709196-AAGT-A.
Other names: c.17_19delACT (NM_001278302.1); c.17_19del, p.Tyr6del (NM_001278302.1, NM_001278304.2, NM_138930.3); c.-37+1313_-37+1315del (NM_001278303.1); c.51-8_51-6del (NM_001278342.1, NM_019887.6); short protein forms Y6del.
Identifiers: ClinVar variation 4977718 (VCV004977718.1).